The following is an entry in ClinVar:

ClinVar aggregate classification (germline): Uncertain significance (1 of 4 stars; one submission).

Conditions:
Juvenile onset Parkinson disease 19A. Also called: PARK19; DNAJC6 Parkinson Disease. Identifiers: Orphanet 391411, MedGen C3809811, MONDO:0014231, OMIM 615528.

Allele frequency attached by ClinVar (database versions not stated): ExAC 0.00002; gnomAD exomes 0.00002 and 0.00003; TOPMed 0.00004; gnomAD 0.00006.
gnomAD v4.1: 34 of 1,513,982 alleles (0.0022%); highest among the groups gnomAD compares: African/African-American, 0.0014%; no homozygotes.

Submission:

Labcorp Genetics (formerly Invitae), Labcorp
Classification: Uncertain significance for Juvenile onset Parkinson disease 19A. Last evaluated: 2021-08-30. Review status: criteria provided, single submitter. Criteria: Invitae Variant Classification Sherloc (09022015). Collection method: clinical testing. Allele origin: germline.
Comment: This sequence change replaces arginine with glutamine at codon 225 of the DNAJC6 protein (p.Arg225Gln). The arginine residue is moderately conserved and there is a small physicochemical difference between arginine and glutamine. This variant is present in population databases (rs772437036, ExAC 0.003%). This variant has not been reported in the literature in individuals affected with DNAJC6-related conditions. Algorithms developed to predict the effect of missense changes on protein structure and function are either unavailable or do not agree on the potential impact of this missense change (SIFT: "Tolerated"; PolyPhen-2: "Possibly Damaging"; Align-GVGD: "Class C0"). In summary, the available evidence is currently insufficient to determine the role of this variant in disease. Therefore, it has been classified as a Variant of Uncertain Significance.

NM_001256864.2(DNAJC6):c.674G>A (p.Arg225Gln)

Gene: DNAJC6 (DnaJ heat shock protein family (Hsp40) member C6; plus strand). Cytogenetic location: 1p31.3.
Variant type: single nucleotide variant.
Coding change: c.674G>A on transcript NM_001256864.2 (MANE Select); coding-DNA position 674, G replaced by A.
Protein change: p.Arg225Gln; replaces arginine 225 with glutamine.
Molecular consequence: missense variant.
Genome position (GRCh38, 1-based): chr1:65,384,200, G>A. VCF-style: chr1-65384200-G-A. GRCh37 (hg19) VCF-style: chr1-65849883-G-A.
Other names: c.464G>A, p.Arg155Gln (NM_001256865.2); c.503G>A, p.Arg168Gln (NM_014787.4); short protein forms R155Q, R168Q, R225Q.
Identifiers: ClinVar variation 969368 (VCV000969368.6), dbSNP rs772437036, ClinGen allele CA893733.
Genomic context (GRCh38, chr1:65,384,200, plus strand): 5'-AGAATGGCTGATTTGATCATGTTCATAATGATTTTATGCATTTTCTTTGACAGGATGGAC[G>A]GGCGGCATCATCAATTCTGGTTGGTGCTATGTTCATTTTCTGTAATCTCTACTCTACTCC-3'
Protein context (NP_001243793.1, residues 215-235): NVCVVHCLDG[Arg225Gln]AASSILVGAM